The following is an entry in ClinVar:

ClinVar aggregate classification (germline): Benign/Likely benign. Review status: criteria provided, multiple submitters, no conflicts (2 of 4 stars). 2 submissions from 2 submitters: Benign (1); Likely benign (1). Last evaluated 2023-05-01.

Conditions:
CBL-related disorder. Also called: NOONAN SYNDROME-LIKE DISORDER WITHOUT JUVENILE MYELOMONOCYTIC LEUKEMIA; CBL MUTATION-ASSOCIATED SYNDROME; CBL SYNDROME. Identifiers: Orphanet 363972, MedGen C3150803, MONDO:0013308, OMIM 613563.

Allele frequency attached by ClinVar (database versions not stated): gnomAD exomes 0.00070; 1000 Genomes Project 30x 0.00312; 1000 Genomes Project 0.00319; gnomAD 0.00348 and 0.00375; TOPMed 0.00451.
gnomAD v4.1: 596 of 233,256 alleles (0.26%); highest among the groups gnomAD compares: African/African-American, 1.1%; 2 homozygotes.

Submissions (2):

CeGaT Center for Human Genetics Tuebingen
Classification: Likely benign. Last evaluated: 2023-05-01. Review status: criteria provided, single submitter. Criteria: CeGaT Center For Human Genetics Tuebingen Variant Classification Criteria Version 2. Collection method: clinical testing. Allele origin: germline. Affected: yes. Observed: 2 variant alleles.
Comment: CBL: BS1

Illumina Laboratory Services, Illumina
Classification: Benign for CBL-related disorder. Last evaluated: 2018-01-13. Review status: criteria provided, single submitter. Criteria: ICSL Variant Classification Criteria 13 December 2019. Collection method: clinical testing. Allele origin: germline.
Comment: This variant was observed in the ICSL laboratory as part of a predisposition screen in an ostensibly healthy population. It had not been previously curated by ICSL or reported in the Human Gene Mutation Database (HGMD: prior to June 1st, 2018), and was therefore a candidate for classification through an automated scoring system. Utilizing variant allele frequency, disease prevalence and penetrance estimates, and inheritance mode, an automated score was calculated to assess if this variant is too frequent to cause the disease. Based on the score and internal cut-off values, a variant classified as benign is not then subjected to further curation. The score for this variant resulted in a classification of benign for this disease.

NM_005188.4(CBL):c.*2176T>C

Gene: CBL (Cbl proto-oncogene; plus strand). Cytogenetic location: 11q23.3.
Variant type: single nucleotide variant.
Coding change: c.*2176T>C on transcript NM_005188.4 (MANE Select); 2176 bases downstream of the stop codon, T replaced by C.
Molecular consequence: 3 prime UTR variant.
Genome position (GRCh38, 1-based): chr11:119,301,957, T>C. VCF-style: chr11-119301957-T-C. GRCh37 (hg19) VCF-style: chr11-119172667-T-C.
Identifiers: ClinVar variation 302821 (VCV000302821.29), dbSNP rs143211426, ClinGen allele CA10629995.
Genomic context (GRCh38, chr11:119,301,957, plus strand): 5'-CTAGAAAAAAAAAAGCAGTTTCCAGGCCCATCCATATTGTAATTTTTCTTTATCTGCAGA[T>C]ATTGCCTGTAGTCTAAAGATCTCTTTGGAAGACAAAGCATTGGCTATATATCTTTTGCCT-3'